The following is an entry in ClinVar:

NM_003922.4(HERC1):c.7475T>C (p.Met2492Thr)

Gene: HERC1 (HECT and RLD domain containing E3 ubiquitin protein ligase family member 1; minus strand). Cytogenetic location: 15q22.31.
Variant type: single nucleotide variant.
Coding change: c.7475T>C on transcript NM_003922.4 (MANE Select); coding-DNA position 7475, T replaced by C.
Protein change: p.Met2492Thr; replaces methionine 2492 with threonine.
Molecular consequence: missense variant.
Genome position (GRCh38, 1-based): chr15:63,674,713, A>G on the plus strand (T>C on the coding strand, the complement: HERC1 is on the minus strand). VCF-style: chr15-63674713-A-G. GRCh37 (hg19) VCF-style: chr15-63966912-A-G.
Other names: short protein forms M2492T.
Identifiers: ClinVar variation 1694755 (VCV001694755.34), dbSNP rs370369189, ClinGen allele CA7605139.
Genomic context (GRCh38, chr15:63,674,713, plus strand): 5'-TAAAGATAGGACAGCTGGACTGCTCTGATTTCTGACTGGGCTACATCATGGTTTTTGGAC[A>G]TGTGTTCATGATTTTTTCTTTTCCCTTCTGTTATTTGATGTTGGGATTCCACACTTGGCA-3'
Protein context (NP_003913.3, residues 2482-2502): TEGKRKNHEH[Met2492Thr]SKNHDVAQSE

ClinVar aggregate classification (germline): Uncertain significance. Review status: criteria provided, multiple submitters, no conflicts (2 of 4 stars). 2 submissions from 2 submitters: Uncertain significance (2). Last evaluated 2024-12-16.

Allele frequency attached by ClinVar (database versions not stated): TOPMed below 0.00001; gnomAD 0.00001; gnomAD exomes 0.00001 and 0.00002; ExAC 0.00003; ESP Exome Variant Server 0.00008.
gnomAD v4.1: 35 of 1,613,584 alleles (0.0022%); highest among the groups gnomAD compares: Non-Finnish European, 0.0029%; no homozygotes.

Submissions (2):

Labcorp Genetics (formerly Invitae), Labcorp
Classification: Uncertain significance. Last evaluated: 2024-12-16. Review status: criteria provided, single submitter. Criteria: Invitae Variant Classification Sherloc (09022015). Collection method: clinical testing. Allele origin: germline.
Comment: This sequence change replaces methionine, which is neutral and non-polar, with threonine, which is neutral and polar, at codon 2492 of the HERC1 protein (p.Met2492Thr). This variant is present in population databases (rs370369189, gnomAD 0.003%). This variant has not been reported in the literature in individuals affected with HERC1-related conditions. ClinVar contains an entry for this variant (Variation ID: 1694755). An algorithm developed to predict the effect of missense changes on protein structure and function outputs the following: PolyPhen-2: "Benign". The threonine amino acid residue is found in multiple mammalian species, which suggests that this missense change does not adversely affect protein function. In summary, the available evidence is currently insufficient to determine the role of this variant in disease. Therefore, it has been classified as a Variant of Uncertain Significance.

CeGaT Center for Human Genetics Tuebingen
Classification: Uncertain significance. Last evaluated: 2022-04-01. Review status: criteria provided, single submitter. Criteria: CeGaT Center For Human Genetics Tuebingen Variant Classification Criteria Version 2. Collection method: clinical testing. Allele origin: germline. Affected: yes. Observed: 1 variant allele.
Comment: HERC1: PP2, BP4